The following is an entry in ClinVar:

NM_006662.3(SRCAP):c.2915G>C (p.Arg972Pro)

Gene: SRCAP (Snf2 related CREBBP activator protein; plus strand). Cytogenetic location: 16p11.2.
Variant type: single nucleotide variant.
Coding change: c.2915G>C on transcript NM_006662.3 (MANE Select); coding-DNA position 2915, G replaced by C.
Protein change: p.Arg972Pro; replaces arginine 972 with proline.
Molecular consequence: missense variant.
Genome position (GRCh38, 1-based): chr16:30,720,259, G>C. VCF-style: chr16-30720259-G-C. GRCh37 (hg19) VCF-style: chr16-30731580-G-C.
Other names: c.2915G>C (NM_006662.2); short protein forms R972P.
Identifiers: ClinVar variation 3618247 (VCV003618247.3).

ClinVar aggregate classification (germline): Uncertain significance. Review status: criteria provided, multiple submitters, no conflicts (2 of 4 stars). 2 submissions from 2 submitters: Uncertain significance (2). Last evaluated 2025-10-21.

Conditions:
Inborn genetic diseases. Identifiers: MedGen C0950123, MeSH D030342.

gnomAD v4.1: 6 of 1,614,168 alleles (0.00037%); highest among the groups gnomAD compares: East Asian, 0.0089%; no homozygotes.

Submissions (2):

Labcorp Genetics (formerly Invitae), Labcorp
Classification: Uncertain significance. Last evaluated: 2025-10-21. Review status: criteria provided, single submitter. Criteria: Invitae Variant Classification Sherloc (09022015). Collection method: clinical testing. Allele origin: germline.
Comment: This sequence change replaces arginine, which is basic and polar, with proline, which is neutral and non-polar, at codon 972 of the SRCAP protein (p.Arg972Pro). This variant is present in population databases (rs765276605, gnomAD 0.02%). This variant has not been reported in the literature in individuals affected with SRCAP-related conditions. ClinVar contains an entry for this variant (Variation ID: 3618247). Invitae Evidence Modeling of protein sequence and biophysical properties (such as structural, functional, and spatial information, amino acid conservation, physicochemical variation, residue mobility, and thermodynamic stability) indicates that this missense variant is not expected to disrupt SRCAP protein function with a negative predictive value of 80%. In summary, the available evidence is currently insufficient to determine the role of this variant in disease. Therefore, it has been classified as a Variant of Uncertain Significance.

Ambry Genetics
Classification: Uncertain significance for Inborn genetic diseases. Last evaluated: 2025-03-20. Review status: criteria provided, single submitter. Criteria: Ambry Variant Classification Scheme 2023. Collection method: clinical testing. Allele origin: germline.